The following is an entry in ClinVar:

ClinVar aggregate classification (germline): Uncertain significance (1 of 4 stars; one submission).

Conditions:
RPH3A-related condition.

Submission:

PreventionGenetics, part of Exact Sciences
Classification: Uncertain significance for RPH3A-related condition. Last evaluated: 2025-03-18. Review status: criteria provided, single submitter. Criteria: ACMG Guidelines, 2015. Collection method: clinical testing. Allele origin: germline.
Comment: The RPH3A c.649G>A variant is predicted to result in the amino acid substitution p.Gly217Ser. To our knowledge, this variant has not been reported in the literature. This variant is reported in 0.011% of alleles in individuals of African descent in gnomAD. At this time, the clinical significance of this variant is uncertain due to the absence of conclusive functional and genetic evidence.

NM_001143854.2(RPH3A):c.649G>A (p.Gly217Ser)

Gene: RPH3A (rabphilin 3A; plus strand). Cytogenetic location: 12q24.13.
Variant type: single nucleotide variant.
Coding change: c.649G>A on transcript NM_001143854.2 (MANE Select); coding-DNA position 649, G replaced by A.
Protein change: p.Gly217Ser; replaces glycine 217 with serine.
Molecular consequence: missense variant. On other transcripts: non-coding transcript variant (2).
Genome position (GRCh38, 1-based): chr12:112,869,797, G>A. VCF-style: chr12-112869797-G-A. GRCh37 (hg19) VCF-style: chr12-113307602-G-A.
Other names: c.649G>A, p.Gly217Ser (NM_001347952.2, NM_001347953.1, NM_001347954.2); c.448G>A, p.Gly150Ser (NM_001347955.2); c.637G>A, p.Gly213Ser (NM_014954.4); short protein forms G150S, G213S, G217S.
Identifiers: ClinVar variation 4997242 (VCV004997242.1).